The following is an entry in ClinVar:

NM_172107.4(KCNQ2):c.1393C>T (p.Arg465Trp)

Gene: KCNQ2 (potassium voltage-gated channel subfamily Q member 2; minus strand). Cytogenetic location: 20q13.33.
Variant type: single nucleotide variant.
Coding change: c.1393C>T on transcript NM_172107.4 (MANE Select); coding-DNA position 1393, C replaced by T.
Protein change: p.Arg465Trp; replaces arginine 465 with tryptophan.
Molecular consequence: missense variant.
Genome position (GRCh38, 1-based): chr20:63,415,035, G>A on the plus strand (C>T on the coding strand, the complement: KCNQ2 is on the minus strand). VCF-style: chr20-63415035-G-A. GRCh37 (hg19) VCF-style: chr20-62046388-G-A.
Other names: c.1393C>T (NM_172107.2); c.1339C>T, p.Arg447Trp (NM_001382235.1, NM_172106.3); c.1309C>T, p.Arg437Trp (NM_004518.6); c.1303C>T, p.Arg435Trp (NM_172108.5); short protein forms R435W, R437W, R447W, R465W.
Identifiers: ClinVar variation 1709957 (VCV001709957.9), dbSNP rs756622558, ClinGen allele CA9958462.

ClinVar aggregate classification (germline): Uncertain significance. Review status: criteria provided, multiple submitters, no conflicts (2 of 4 stars). 4 submissions from 4 submitters: Uncertain significance (4). Last evaluated 2024-10-15.

Conditions:
Early-infantile DEE. Also called: Early infantile epileptic encephalopathy; Ohtahara syndrome; Early infantile epileptic encephalopathy with suppression bursts. Identifiers: Orphanet 1934, MedGen C0393706, MONDO:0800491.
Seizures, benign familial neonatal, 1. Also called: Benign Neonatal Epilepsy 1; KCNQ2-Related Benign Familial Neonatal Epilepsy; Seizures, benign neonatal, 1; KCNQ2-Related Self-Limited Familial Neonatal Epilepsy (SLFNE). Identifiers: Orphanet 1949, MedGen C3149074, MONDO:0007365, OMIM 121200.

Allele frequency attached by ClinVar (database versions not stated): ExAC 0.00001; gnomAD 0.00001.
gnomAD v4.1: 7 of 1,609,182 alleles (0.00044%); highest among the groups gnomAD compares: East Asian, 0.0022%; no homozygotes.

Submissions (4):

Labcorp Genetics (formerly Invitae), Labcorp
Classification: Uncertain significance for Early-infantile DEE. Last evaluated: 2024-10-15. Review status: criteria provided, single submitter. Criteria: Invitae Variant Classification Sherloc (09022015). Collection method: clinical testing. Allele origin: germline.
Comment: This sequence change replaces arginine, which is basic and polar, with tryptophan, which is neutral and slightly polar, at codon 465 of the KCNQ2 protein (p.Arg465Trp). This variant is not present in population databases (gnomAD no frequency). This variant has not been reported in the literature in individuals affected with KCNQ2-related conditions. ClinVar contains an entry for this variant (Variation ID: 1709957). Invitae Evidence Modeling of protein sequence and biophysical properties (such as structural, functional, and spatial information, amino acid conservation, physicochemical variation, residue mobility, and thermodynamic stability) indicates that this missense variant is expected to disrupt KCNQ2 protein function with a positive predictive value of 95%. In summary, the available evidence is currently insufficient to determine the role of this variant in disease. Therefore, it has been classified as a Variant of Uncertain Significance.

GeneDx
Classification: Uncertain significance. Last evaluated: 2024-06-18. Review status: criteria provided, single submitter. Criteria: GeneDx Variant Classification Process June 2021. Collection method: clinical testing. Allele origin: germline. Affected: yes.
Comment: In silico analysis supports that this missense variant has a deleterious effect on protein structure/function; Has not been previously published as pathogenic or benign to our knowledge; This substitution is predicted to be within the C-terminal cytoplasmic domain

MGZ Medical Genetics Center
Classification: Uncertain significance for Seizures, benign familial neonatal, 1. Last evaluated: 2022-07-05. Review status: criteria provided, single submitter. Criteria: ACMG Guidelines, 2015. Collection method: clinical testing. Allele origin: germline. Affected: yes. Observed: 1 variant allele.
Comment: ACMG criteria applied: PM2_SUP, PP2, PP3

Blueprint Genetics
Classification: Uncertain significance. Last evaluated: 2021-06-09. Review status: criteria provided, single submitter. Criteria: ACMG Guidelines, 2015. Collection method: clinical testing. Allele origin: germline.